The following is an entry in ClinVar:

ClinVar aggregate classification (germline): Uncertain significance. Review status: criteria provided, multiple submitters, no conflicts (2 of 4 stars). 2 submissions from 2 submitters: Uncertain significance (2). Last evaluated 2025-06-06.

Conditions:
Renal cell carcinoma. Identifiers: Orphanet 217071, MedGen C0007134, MeSH D002292, MONDO:0005086, HP:0005584.
Hereditary cancer-predisposing syndrome. Also called: Hereditary Cancer Syndrome; Tumor predisposition; Neoplastic Syndromes, Hereditary; Hereditary neoplastic syndrome. Identifiers: Orphanet 140162, MedGen C0027672, MeSH D009386, MONDO:0015356.

Submissions (2):

Ambry Genetics
Classification: Uncertain significance for Hereditary cancer-predisposing syndrome. Last evaluated: 2025-06-06. Review status: criteria provided, single submitter. Criteria: Ambry Variant Classification Scheme 2023. Collection method: clinical testing. Allele origin: germline.
Comment: The p.L1161Q variant (also known as c.3482T>A), located in coding exon 16 of the MET gene, results from a T to A substitution at nucleotide position 3482. The leucine at codon 1161 is replaced by glutamine, an amino acid with dissimilar properties. This amino acid position is highly conserved in available vertebrate species. In addition, this alteration is predicted to be deleterious by in silico analysis. Based on the available evidence, the clinical significance of this variant remains unclear.

Labcorp Genetics (formerly Invitae), Labcorp
Classification: Uncertain significance for Renal cell carcinoma. Last evaluated: 2025-01-13. Review status: criteria provided, single submitter. Criteria: Invitae Variant Classification Sherloc (09022015). Collection method: clinical testing. Allele origin: germline.
Comment: This sequence change replaces leucine, which is neutral and non-polar, with glutamine, which is neutral and polar, at codon 1161 of the MET protein (p.Leu1161Gln). This variant is not present in population databases (gnomAD no frequency). This variant has not been reported in the literature in individuals affected with MET-related conditions. ClinVar contains an entry for this variant (Variation ID: 1014854). Invitae Evidence Modeling of protein sequence and biophysical properties (such as structural, functional, and spatial information, amino acid conservation, physicochemical variation, residue mobility, and thermodynamic stability) indicates that this missense variant is expected to disrupt MET protein function with a positive predictive value of 80%. Algorithms developed to predict the effect of sequence changes on RNA splicing suggest that this variant may disrupt the consensus splice site. In summary, the available evidence is currently insufficient to determine the role of this variant in disease. Therefore, it has been classified as a Variant of Uncertain Significance.

NM_000245.4(MET):c.3428T>A (p.Leu1143Gln)

Gene: MET (MET proto-oncogene, receptor tyrosine kinase; plus strand). Cytogenetic location: 7q31.2.
Variant type: single nucleotide variant.
Coding change: c.3428T>A on transcript NM_000245.4 (MANE Select); coding-DNA position 3428, T replaced by A.
Protein change: p.Leu1143Gln; replaces leucine 1143 with glutamine.
Molecular consequence: missense variant.
Genome position (GRCh38, 1-based): chr7:116,778,863, T>A. VCF-style: chr7-116778863-T-A. GRCh37 (hg19) VCF-style: chr7-116418917-T-A.
Other names: c.3482T>A, p.Leu1161Gln (NM_001127500.3); c.2138T>A, p.Leu713Gln (NM_001324402.2); short protein forms L1143Q, L1161Q, L713Q.
Identifiers: ClinVar variation 1014854 (VCV001014854.12), dbSNP rs1795070394, ClinGen allele CA368990133.